The following is an entry in ClinVar:

NM_001242882.2(NAXD):c.840-27C>T

Gene: NAXD (NAD(P)HX dehydratase; plus strand). Cytogenetic location: 13q34.
Variant type: single nucleotide variant.
Coding change: c.840-27C>T on transcript NM_001242882.2 (MANE Select); 27 bases into the intron before coding-DNA position 840, C replaced by T.
Molecular consequence: intron variant. On other transcripts: missense variant (1).
Genome position (GRCh38, 1-based): chr13:110,638,351, C>T. VCF-style: chr13-110638351-C-T. GRCh37 (hg19) VCF-style: chr13-111290698-C-T.
Other names: c.1003C>T, p.His335Tyr (NM_018210.4); c.564-27C>T (NM_001242883.2); c.894-27C>T (NM_001242881.2); short protein forms H335Y.
Identifiers: ClinVar variation 2132656 (VCV002132656.4), dbSNP rs2501715719, ClinGen allele CA388737194.

ClinVar aggregate classification (germline): Uncertain significance (1 of 4 stars; one submission).

Allele frequency attached by ClinVar (database versions not stated): gnomAD exomes below 0.00001.
gnomAD v4.1: 1 of 1,613,992 alleles (0.000062%); highest among the groups gnomAD compares: African/African-American, 0.0013%; no homozygotes.

Submission:

Labcorp Genetics (formerly Invitae), Labcorp
Classification: Uncertain significance. Last evaluated: 2022-05-16. Review status: criteria provided, single submitter. Criteria: Invitae Variant Classification Sherloc (09022015). Collection method: clinical testing. Allele origin: germline.
Comment: In summary, the available evidence is currently insufficient to determine the role of this variant in disease. Therefore, it has been classified as a Variant of Uncertain Significance. Algorithms developed to predict the effect of missense changes on protein structure and function (SIFT, PolyPhen-2, Align-GVGD) all suggest that this variant is likely to be tolerated. This variant has not been reported in the literature in individuals affected with NAXD-related conditions. This variant is not present in population databases (gnomAD no frequency). This sequence change replaces histidine, which is basic and polar, with tyrosine, which is neutral and polar, at codon 335 of the NAXD protein (p.His335Tyr).